The following is an entry in ClinVar:

NM_001083962.2(TCF4):c.1508G>T (p.Gly503Val)

Gene: TCF4 (transcription factor 4; minus strand). Cytogenetic location: 18q21.2.
Variant type: single nucleotide variant.
Coding change: c.1508G>T on transcript NM_001083962.2 (MANE Select); coding-DNA position 1508, G replaced by T.
Protein change: p.Gly503Val; replaces glycine 503 with valine.
Molecular consequence: missense variant.
Genome position (GRCh38, 1-based): chr18:55,232,650, C>A on the plus strand (G>T on the coding strand, the complement: TCF4 is on the minus strand). VCF-style: chr18-55232650-C-A. GRCh37 (hg19) VCF-style: chr18-52899881-C-A.
Other names: c.1028G>T, p.Gly343Val (NM_001243236.2, NM_001348216.2, NM_001243234.2 and 1 more transcripts); c.1436G>T, p.Gly479Val (NM_001306207.1, NM_001369575.1, NM_001348217.1 and 5 more transcripts); c.1295G>T, p.Gly432Val (NM_001306208.1, NM_001243232.1); c.1505G>T, p.Gly502Val (NM_001330604.3, NM_001369573.1, NM_001369574.1 and 2 more transcripts); c.1118G>T, p.Gly373Val (NM_001330605.3, NM_001348212.2, NM_001348213.2 and 1 more transcripts); c.1382G>T, p.Gly461Val (NM_001348211.2, NM_001243231.2); c.1025G>T, p.Gly342Val (NM_001348214.2); c.860G>T, p.Gly287Val (NM_001348215.2); and 6 more; short protein forms G287V, G478V, G342V, G373V, G432V, G500V, G461V, G479V.
Identifiers: ClinVar variation 2718778 (VCV002718778.3), dbSNP rs2511584373, ClinGen allele CA402530200.

ClinVar aggregate classification (germline): Uncertain significance (1 of 4 stars; one submission).

Conditions:
Pitt-Hopkins syndrome (PTHS). Also called: ENCEPHALOPATHY, SEVERE EPILEPTIC, WITH AUTONOMIC DYSFUNCTION; MENTAL RETARDATION, SYNDROMAL, WITH INTERMITTENT HYPERVENTILATION. Identifiers: Orphanet 2896, MedGen C1970431, MONDO:0012589, OMIM 610954.

gnomAD v4.1: 2 of 1,614,134 alleles (0.00012%); highest among the groups gnomAD compares: Non-Finnish European, 0.000085%; no homozygotes.

Submission:

Labcorp Genetics (formerly Invitae), Labcorp
Classification: Uncertain significance for Pitt-Hopkins syndrome. Last evaluated: 2023-06-18. Review status: criteria provided, single submitter. Criteria: Invitae Variant Classification Sherloc (09022015). Collection method: clinical testing. Allele origin: germline.
Comment: In summary, the available evidence is currently insufficient to determine the role of this variant in disease. Therefore, it has been classified as a Variant of Uncertain Significance. Advanced modeling of protein sequence and biophysical properties (such as structural, functional, and spatial information, amino acid conservation, physicochemical variation, residue mobility, and thermodynamic stability) performed at Invitae indicates that this missense variant is not expected to disrupt TCF4 protein function. This variant has not been reported in the literature in individuals affected with TCF4-related conditions. This variant is not present in population databases (gnomAD no frequency). This sequence change replaces glycine, which is neutral and non-polar, with valine, which is neutral and non-polar, at codon 503 of the TCF4 protein (p.Gly503Val).